The following is an entry in ClinVar:

NM_001563.4(IMPG1):c.1700C>T (p.Ala567Val)

Gene: IMPG1 (interphotoreceptor matrix proteoglycan 1; minus strand). Cytogenetic location: 6q14.1.
Variant type: single nucleotide variant.
Coding change: c.1700C>T on transcript NM_001563.4 (MANE Select); coding-DNA position 1700, C replaced by T.
Protein change: p.Ala567Val; replaces alanine 567 with valine.
Molecular consequence: missense variant.
Genome position (GRCh38, 1-based): chr6:75,950,686, G>A on the plus strand (C>T on the coding strand, the complement: IMPG1 is on the minus strand). VCF-style: chr6-75950686-G-A. GRCh37 (hg19) VCF-style: chr6-76660403-G-A.
Other names: c.1700C>T (NM_001563.2); c.1466C>T, p.Ala489Val (NM_001282368.2); short protein forms A489V, A567V.
Identifiers: ClinVar variation 1915065 (VCV001915065.6), dbSNP rs745882876, ClinGen allele CA3898069.

ClinVar aggregate classification (germline): Uncertain significance. Review status: criteria provided, multiple submitters, no conflicts (2 of 4 stars). 2 submissions from 2 submitters: Uncertain significance (2). Last evaluated 2024-10-21.

Allele frequency attached by ClinVar (database versions not stated): ExAC 0.00001.
gnomAD v4.1: 3 of 1,613,896 alleles (0.00019%); highest among the groups gnomAD compares: African/African-American, 0.0027%; no homozygotes.

Submissions (2):

Ambry Genetics
Classification: Uncertain significance. Last evaluated: 2024-10-21. Review status: criteria provided, single submitter. Criteria: Ambry Variant Classification Scheme 2023. Collection method: clinical testing. Allele origin: germline.

Labcorp Genetics (formerly Invitae), Labcorp
Classification: Uncertain significance. Last evaluated: 2022-07-17. Review status: criteria provided, single submitter. Criteria: Invitae Variant Classification Sherloc (09022015). Collection method: clinical testing. Allele origin: germline.
Comment: This variant has not been reported in the literature in individuals affected with IMPG1-related conditions. In summary, the available evidence is currently insufficient to determine the role of this variant in disease. Therefore, it has been classified as a Variant of Uncertain Significance. Algorithms developed to predict the effect of missense changes on protein structure and function output the following: SIFT: "Deleterious"; PolyPhen-2: "Possibly Damaging"; Align-GVGD: "Class C55". The valine amino acid residue is found in multiple mammalian species, which suggests that this missense change does not adversely affect protein function. This variant is present in population databases (rs745882876, gnomAD 0.01%). This sequence change replaces alanine, which is neutral and non-polar, with valine, which is neutral and non-polar, at codon 567 of the IMPG1 protein (p.Ala567Val).